The following is an entry in ClinVar:

NM_015107.3(PHF8):c.872T>C (p.Met291Thr)

Gene: PHF8 (PHD finger protein 8; minus strand). Cytogenetic location: Xp11.22.
Variant type: single nucleotide variant.
Coding change: c.872T>C on transcript NM_015107.3 (MANE Select); coding-DNA position 872, T replaced by C.
Protein change: p.Met291Thr; replaces methionine 291 with threonine.
Molecular consequence: missense variant.
Genome position (GRCh38, 1-based): chrX:54,011,196, A>G on the plus strand (T>C on the coding strand, the complement: PHF8 is on the minus strand). VCF-style: chrX-54011196-A-G. GRCh37 (hg19) VCF-style: chrX-54037629-A-G.
Other names: c.980T>C, p.Met327Thr (NM_001184896.1); c.872T>C, p.Met291Thr (NM_001184897.2, NM_001184898.2); short protein forms M291T, M327T.
Identifiers: ClinVar variation 1175826 (VCV001175826.37), dbSNP rs1157683205, ClinGen allele CA413242187.
Genomic context (GRCh38, chrX:54,011,196, plus strand): 5'-AGTGTCTGTCCTTGCTTCACGGAACACTTGTAGCACTTGTCCACCTGGTCCCCAAAGAAC[A>G]TCTCATTCTGATTAGAGGAACTGCTCCAGCACTCAAAGAGAGTCAGATTGGCATTTGTTG-3'
Protein context (NP_055922.1, residues 281-301): CWSSSSNQNE[Met291Thr]FFGDQVDKCY

ClinVar aggregate classification (germline): Conflicting classifications of pathogenicity. Review status: criteria provided, conflicting classifications (1 of 4 stars). 2 submissions from 2 submitters: Uncertain significance (1); Likely benign (1). Last evaluated 2025-03-01.

Conditions:
Inborn genetic diseases. Identifiers: MedGen C0950123, MeSH D030342.

Allele frequency attached by ClinVar (database versions not stated): gnomAD exomes 0.00002; TOPMed 0.00003; gnomAD 0.00004.
gnomAD v4.1: 27 of 1,205,676 alleles (0.0022%); highest among the groups gnomAD compares: Non-Finnish European, 0.0029%; no homozygotes.

Submissions (2):

CeGaT Center for Human Genetics Tuebingen
Classification: Likely benign. Last evaluated: 2025-03-01. Review status: criteria provided, single submitter. Criteria: CeGaT Center For Human Genetics Tuebingen Variant Classification Criteria Version 2. Collection method: clinical testing. Allele origin: germline. Affected: yes. Observed: 2 variant alleles.
Comment: PHF8: PP2, BS2

Ambry Genetics
Classification: Uncertain significance for Inborn genetic diseases. Last evaluated: 2016-09-22. Review status: criteria provided, single submitter. Criteria: Ambry Variant Classification Scheme 2023. Collection method: clinical testing. Allele origin: germline.
Comment: The p.M291T variant (also known as c.872T>C), located in coding exon 7 of the PHF8 gene, results from a T to C substitution at nucleotide position 872. The methionine at codon 291 is replaced by threonine, an amino acid with similar properties. This variant was not reported in population based cohorts in the following databases: Database of Single Nucleotide Polymorphisms (dbSNP), NHLBI Exome Sequencing Project (ESP), and 1000 Genomes Project. In the ESP, this variant was not observed in 6503 samples with coverage at this position. This amino acid position is highly conserved through mammals but not in all available vertebrate species. Since supporting evidence is limited at this time, the clinical significance of this alteration remains unclear.